The following is an entry in ClinVar:

ClinVar aggregate classification (germline): Likely benign. Review status: criteria provided, multiple submitters, no conflicts (2 of 4 stars). 2 submissions from 2 submitters: Likely benign (2). Last evaluated 2024-11-12.

Conditions:
Early-infantile DEE. Also called: Ohtahara syndrome; Early infantile epileptic encephalopathy; Early infantile epileptic encephalopathy with suppression bursts. Identifiers: Orphanet 1934, MedGen C0393706, MONDO:0800491.

Allele frequency attached by ClinVar (database versions not stated): gnomAD 0.00001; TOPMed 0.00001; gnomAD exomes 0.00002; ExAC 0.00003; ESP Exome Variant Server 0.00008.
gnomAD v4.1: 32 of 1,602,094 alleles (0.002%); highest among the groups gnomAD compares: Non-Finnish European, 0.0026%; no homozygotes.

Submissions (2):

Labcorp Genetics (formerly Invitae), Labcorp
Classification: Likely benign for Early-infantile DEE. Last evaluated: 2024-11-12. Review status: criteria provided, single submitter. Criteria: Invitae Variant Classification Sherloc (09022015). Collection method: clinical testing. Allele origin: germline.

GeneDx
Classification: Likely benign. Last evaluated: 2016-05-25. Review status: criteria provided, single submitter. Criteria: GeneDx Variant Classification (06012015). Collection method: clinical testing. Allele origin: germline. Affected: yes.
Comment: This variant is considered likely benign or benign based on one or more of the following criteria: it is a conservative change, it occurs at a poorly conserved position in the protein, it is predicted to be benign by multiple in silico algorithms, and/or has population frequency not consistent with disease.

NM_001330260.2(SCN8A):c.1104C>A (p.Thr368=)

Gene: SCN8A (sodium voltage-gated channel alpha subunit 8; plus strand). Cytogenetic location: 12q13.13.
Variant type: single nucleotide variant.
Coding change: c.1104C>A on transcript NM_001330260.2 (MANE Select); coding-DNA position 1104, C replaced by A.
Protein change: p.Thr368=; no amino-acid change (threonine 368 retained).
Molecular consequence: synonymous variant.
Genome position (GRCh38, 1-based): chr12:51,702,884, C>A. VCF-style: chr12-51702884-C-A. GRCh37 (hg19) VCF-style: chr12-52096668-C-A.
Other names: c.1104C>A, p.Thr368= (NM_001177984.3, NM_001369788.1, NM_014191.4).
Identifiers: ClinVar variation 386664 (VCV000386664.9), dbSNP rs371872378, ClinGen allele CA6571204.